The following is an entry in ClinVar:

NM_001875.5(CPS1):c.904T>A (p.Leu302Met)

Gene: CPS1 (carbamoyl-phosphate synthase 1; plus strand). Cytogenetic location: 2q34.
Variant type: single nucleotide variant.
Coding change: c.904T>A on transcript NM_001875.5 (MANE Select); coding-DNA position 904, T replaced by A.
Protein change: p.Leu302Met; replaces leucine 302 with methionine.
Molecular consequence: missense variant. On other transcripts: non-coding transcript variant (1).
Genome position (GRCh38, 1-based): chr2:210,590,863, T>A. VCF-style: chr2-210590863-T-A. GRCh37 (hg19) VCF-style: chr2-211455587-T-A.
Other names: c.904T>A, p.Leu302Met (NM_001122633.3, NM_001369257.1); c.937T>A, p.Leu313Met (NM_001369256.1); short protein forms L302M, L313M.
Identifiers: ClinVar variation 2229700 (VCV002229700.2), dbSNP rs2469120849, ClinGen allele CA350430275.

ClinVar aggregate classification (germline): Uncertain significance (1 of 4 stars; one submission).

Conditions:
Inborn genetic diseases. Identifiers: MedGen C0950123, MeSH D030342.

Submission:

Ambry Genetics
Classification: Uncertain significance for Inborn genetic diseases. Last evaluated: 2021-03-24. Review status: criteria provided, single submitter. Criteria: Ambry Variant Classification Scheme 2023. Collection method: clinical testing. Allele origin: germline.
Comment: The c.904T>A (p.L302M) alteration is located in exon 9 (coding exon 9) of the CPS1 gene. This alteration results from a T to A substitution at nucleotide position 904, causing the leucine (L) at amino acid position 302 to be replaced by a methionine (M). The p.L302M alteration is predicted to be tolerated by in silico analysis. Based on insufficient or conflicting evidence, the clinical significance of this alteration remains unclear.